The following is an entry in ClinVar:

ClinVar aggregate classification (germline): Conflicting classifications of pathogenicity. Review status: criteria provided, conflicting classifications (1 of 4 stars). 2 submissions from 1 submitter: Uncertain significance (1); Benign (1). Last evaluated 2018-01-12.

Conditions:
Hypoalphalipoproteinemia, primary, 1. Identifiers: Orphanet 425, MedGen C5231558, MONDO:0011393, OMIM 604091.
Tangier disease (TGD). Also called: HIGH DENSITY LIPOPROTEIN DEFICIENCY, TANGIER TYPE; HIGH DENSITY LIPOPROTEIN DEFICIENCY, TYPE 1; Cholesterol thesaurismosis. Identifiers: Orphanet 31150, MedGen C0039292, MONDO:0008783, OMIM 205400.

Allele frequency attached by ClinVar (database versions not stated): TOPMed 0.00055; 1000 Genomes Project 0.00140; 1000 Genomes Project 30x 0.00156.

Submissions (2):

Illumina Laboratory Services, Illumina
Classification: Benign for Hypoalphalipoproteinemia, primary, 1. Last evaluated: 2018-01-12. Review status: criteria provided, single submitter. Criteria: ICSL Variant Classification Criteria 13 December 2019. Collection method: clinical testing. Allele origin: germline.
Comment: This variant was observed in the ICSL laboratory as part of a predisposition screen in an ostensibly healthy population. It had not been previously curated by ICSL or reported in the Human Gene Mutation Database (HGMD: prior to June 1st, 2018), and was therefore a candidate for classification through an automated scoring system. Utilizing variant allele frequency, disease prevalence and penetrance estimates, and inheritance mode, an automated score was calculated to assess if this variant is too frequent to cause the disease. Based on the score and internal cut-off values, a variant classified as benign is not then subjected to further curation. The score for this variant resulted in a classification of benign for this disease.

Illumina Laboratory Services, Illumina
Classification: Uncertain significance for Tangier disease. Last evaluated: 2018-01-12. Review status: criteria provided, single submitter. Criteria: ICSL Variant Classification Criteria 13 December 2019. Collection method: clinical testing. Allele origin: germline.

NM_005502.4(ABCA1):c.*1790C>T

Genes: ABCA1 (ATP binding cassette subfamily A member 1; minus strand), NIPSNAP3B (nipsnap homolog 3B; plus strand). Cytogenetic location: 9q31.1.
Variant type: single nucleotide variant.
Coding change: c.*1790C>T on transcript NM_005502.4 (MANE Select); 1790 bases downstream of the stop codon, C replaced by T.
Molecular consequence: 3 prime UTR variant.
Genome position (GRCh38, 1-based): chr9:104,782,525, G>A on the plus strand (C>T on the coding strand, the complement: ABCA1 is on the minus strand). VCF-style: chr9-104782525-G-A. GRCh37 (hg19) VCF-style: chr9-107544806-G-A.
Identifiers: ClinVar variation 912627 (VCV000912627.4), dbSNP rs76321849, ClinGen allele CA197395004.
Genomic context (GRCh38, chr9:104,782,525, plus strand): 5'-AACTTCCCCAAACAATAGTTCTCTCATATTTTTCTTTTCTCTCAAGACAGTTAACAGTAA[G>A]TATTAGTGAAACAGTATTTTTACAAATGTTTACTGACTAGAAAAATAAGACTGGGTTAGA-3'